The following is an entry in ClinVar:

ClinVar aggregate classification (germline): Pathogenic (1 of 4 stars; one submission).

Conditions:
Ataxia-telangiectasia syndrome (AT). Also called: Ataxia-telangiectasia, complementation group E; LOUIS-BAR SYNDROME; Ataxia-telangiectasia, complementation group D; AT, COMPLEMENTATION GROUP C; Ataxia-telangiectasia; Cerebello-oculocutaneous telangiectasia. Identifiers: Orphanet 100, MedGen C0004135, MONDO:0008840, OMIM 208900.

Submission:

Labcorp Genetics (formerly Invitae), Labcorp
Classification: Pathogenic for Ataxia-telangiectasia syndrome. Last evaluated: 2021-04-22. Review status: criteria provided, single submitter. Criteria: Invitae Variant Classification Sherloc (09022015). Collection method: clinical testing. Allele origin: germline.
Comment: For these reasons, this variant has been classified as Pathogenic. This variant has not been reported in the literature in individuals with ATM-related conditions. This variant is not present in population databases (ExAC no frequency). This sequence change creates a premature translational stop signal (p.Leu427*) in the ATM gene. It is expected to result in an absent or disrupted protein product. Loss-of-function variants in ATM are known to be pathogenic (PMID: 23807571, 25614872).

Literature cited by the submitters: PubMed 23807571; PubMed 25614872.

NM_000051.4(ATM):c.1280T>A (p.Leu427Ter)

Gene: ATM (ATM serine/threonine kinase; plus strand). Cytogenetic location: 11q22.3.
Variant type: single nucleotide variant.
Coding change: c.1280T>A on transcript NM_000051.4 (MANE Select); coding-DNA position 1280, T replaced by A.
Protein change: p.Leu427Ter; replaces leucine 427 with a stop codon.
Molecular consequence: nonsense.
Genome position (GRCh38, 1-based): chr11:108,250,745, T>A. VCF-style: chr11-108250745-T-A. GRCh37 (hg19) VCF-style: chr11-108121472-T-A.
Other names: c.1280T>A, p.Leu427Ter (NM_001351834.2); short protein forms L427*.
Identifiers: ClinVar variation 1456737 (VCV001456737.6), dbSNP rs2135317116, ClinGen allele CA382533478.